The following is an entry in ClinVar:

NM_198075.4(LRRC56):c.840_841insCCTGAGACTTGACAGG (p.Ser281delinsProGluThrTer)

Gene: LRRC56 (leucine rich repeat containing 56; plus strand). Cytogenetic location: 11p15.5.
Variant type: Insertion.
Coding change: c.840_841insCCTGAGACTTGACAGG on transcript NM_198075.4 (MANE Select); coding-DNA positions 840 to 841, CCTGAGACTTGACAGG inserted.
Protein change: p.Ser281delinsProGluThrTer.
Molecular consequence: nonsense.
Genome position: GRCh38 VCF-style: chr11-551693-T-TGCCTGAGACTTGACAG. GRCh37 (hg19) VCF-style: chr11-551693-T-TGCCTGAGACTTGACAG.
Identifiers: ClinVar variation 3620667 (VCV003620667.2).
Genomic context (GRCh38, chr11:551,693, plus strand): 5'-CTTCTGAACCTCGGGCAGACTGTCCCCGTGGAGCCCCCATCCGGAGACTTGACCCCGAGC[T>TGCCTGAGACTTGACAG]GTCCCTGCCTGAGACGCAGTCCCGGGCCTCCAGGCCCTGGCCCTTCTCCCTGCTGGTCCG-3'

ClinVar aggregate classification (germline): Pathogenic (1 of 4 stars; one submission).

Submission:

Labcorp Genetics (formerly Invitae), Labcorp
Classification: Pathogenic. Last evaluated: 2024-09-11. Review status: criteria provided, single submitter. Criteria: Invitae Variant Classification Sherloc (09022015). Collection method: clinical testing. Allele origin: germline.
Comment: This sequence change creates a premature translational stop signal (p.Ser281Profs*4) in the LRRC56 gene. It is expected to result in an absent or disrupted protein product. Loss-of-function variants in LRRC56 are known to be pathogenic (PMID: 30388400). This variant is present in population databases (rs768307668, gnomAD 0.0009%). This variant has not been reported in the literature in individuals affected with LRRC56-related conditions. For these reasons, this variant has been classified as Pathogenic.

Literature cited by the submitters: PubMed 30388400.